The following is an entry in ClinVar:

ClinVar aggregate classification (germline): Uncertain significance (1 of 4 stars; one submission).

Conditions:
Familial infantile myasthenia (CMS6). Also called: Congenital myasthenic syndrome type 6; MYASTHENIC SYNDROME, CONGENITAL, 6, PRESYNAPTIC; MYASTHENIC SYNDROME, PRESYNAPTIC, CONGENITAL, ASSOCIATED WITH EPISODIC APNEA. Identifiers: Orphanet 590, MedGen C0393929, MONDO:0009689, OMIM 254210.

Submission:

Labcorp Genetics (formerly Invitae), Labcorp
Classification: Uncertain significance for Familial infantile myasthenia. Last evaluated: 2022-08-15. Review status: criteria provided, single submitter. Criteria: Invitae Variant Classification Sherloc (09022015). Collection method: clinical testing. Allele origin: germline.
Comment: This sequence change replaces methionine with leucine at codon 461 of the CHAT protein (p.Met461Leu). The methionine residue is moderately conserved and there is a small physicochemical difference between methionine and leucine. This variant is present in population databases (no rsID available, gnomAD 0.004%). This variant has not been reported in the literature in individuals affected with CHAT-related conditions. Experimental studies and prediction algorithms are not available or were not evaluated, and the functional significance of this variant is currently unknown. In summary, the available evidence is currently insufficient to determine the role of this variant in disease. Therefore, it has been classified as a Variant of Uncertain Significance.

NM_020549.5(CHAT):c.1381G>T (p.Val461Leu)

Gene: CHAT (choline O-acetyltransferase; plus strand). Cytogenetic location: 10q11.23.
Variant type: single nucleotide variant.
Coding change: c.1381G>T on transcript NM_020549.5 (MANE Select); coding-DNA position 1381, G replaced by T.
Protein change: p.Val461Leu; replaces valine 461 with leucine.
Molecular consequence: missense variant.
Genome position (GRCh38, 1-based): chr10:49,648,606, G>T. VCF-style: chr10-49648606-G-T. GRCh37 (hg19) VCF-style: chr10-50856652-G-T.
Other names: c.1027G>T, p.Val343Leu (NM_001142929.2, NM_001142934.2, NM_020984.4 and 2 more transcripts); c.1135G>T, p.Val379Leu (NM_001142933.2); short protein forms V461L, V343L, V379L.
Identifiers: ClinVar variation 1406810 (VCV001406810.4), dbSNP rs4838544, ClinGen allele CA376742881.
Genomic context (GRCh38, chr10:49,648,606, plus strand): 5'-GAACACTCCCCATTCGATGGCATCGTCCTGGTGCAGTGCACTGAGCATCTGCTCAAGCAC[G>T]TGTGAGTCTGGATCCCAGGGCTGCCATGCTGGGCCCAAAAAAATGTGGGTGGTCGCTGGG-3'
Protein context (NP_065574.4, residues 451-471): VQCTEHLLKH[Val461Leu]TQSSRKLIRA